The following is an entry in ClinVar:

ClinVar aggregate classification (germline): Likely benign (1 of 4 stars; one submission).

Allele frequency attached by ClinVar (database versions not stated): gnomAD exomes below 0.00001.
gnomAD v4.1: 1 of 1,613,968 alleles (0.000062%); highest among the groups gnomAD compares: Non-Finnish European, 0.000085%; no homozygotes.

Submission:

GeneDx
Classification: Likely benign. Last evaluated: 2018-01-11. Review status: criteria provided, single submitter. Criteria: GeneDx Variant Classification (06012015). Collection method: clinical testing. Allele origin: germline. Affected: yes.
Comment: This variant is considered likely benign or benign based on one or more of the following criteria: it is a conservative change, it occurs at a poorly conserved position in the protein, it is predicted to be benign by multiple in silico algorithms, and/or has population frequency not consistent with disease.

NM_021957.4(GYS2):c.1353C>T (p.Asp451=)

Genes: GYS2 (glycogen synthase 2; minus strand), LOC126861480 (CDK7 strongly-dependent group 2 enhancer GRCh37_chr12:21710858-21712057; plus strand). Cytogenetic location: 12p12.1.
Variant type: single nucleotide variant.
Coding change: c.1353C>T on transcript NM_021957.4 (MANE Select); coding-DNA position 1353, C replaced by T.
Protein change: p.Asp451=; no amino-acid change (aspartic acid 451 retained).
Molecular consequence: synonymous variant.
Genome position (GRCh38, 1-based): chr12:21,558,269, G>A on the plus strand (C>T on the coding strand, the complement: GYS2 is on the minus strand). VCF-style: chr12-21558269-G-A. GRCh37 (hg19) VCF-style: chr12-21711203-G-A.
Identifiers: ClinVar variation 514384 (VCV000514384.1), dbSNP rs1555156025, ClinGen allele CA478869027.